The following is an entry in ClinVar:

ClinVar aggregate classification (germline): Conflicting classifications of pathogenicity. Review status: criteria provided, conflicting classifications (1 of 4 stars). 2 submissions from 2 submitters: Likely pathogenic (1); Uncertain significance (1). Last evaluated 2025-11-27.

Conditions:
Hypophosphatasia. Also called: Phosphoethanol-aminuria. Identifiers: Orphanet 436, MedGen C0020630, MeSH D007014, MONDO:0018570.

Submissions (2):

Labcorp Genetics (formerly Invitae), Labcorp
Classification: Uncertain significance. Last evaluated: 2025-11-27. Review status: criteria provided, single submitter. Criteria: Invitae Variant Classification Sherloc (09022015). Collection method: clinical testing. Allele origin: germline.
Comment: This sequence change replaces glycine, which is neutral and non-polar, with aspartic acid, which is acidic and polar, at codon 200 of the ALPL protein (p.Gly200Asp). This variant is not present in population databases (gnomAD no frequency). This missense change has been observed in individual(s) with clinical features of hypophosphatasia (PMID: 26432670, 33716164). ClinVar contains an entry for this variant (Variation ID: 3720171). Invitae Evidence Modeling of protein sequence and biophysical properties (such as structural, functional, and spatial information, amino acid conservation, physicochemical variation, residue mobility, and thermodynamic stability) indicates that this missense variant is expected to disrupt ALPL protein function with a positive predictive value of 95%. In summary, the available evidence is currently insufficient to determine the role of this variant in disease. Therefore, it has been classified as a Variant of Uncertain Significance.

Genomenon, Inc
Classification: Likely pathogenic for Hypophosphatasia. Last evaluated: 2025-08-29. Review status: criteria provided, single submitter. Criteria: Genomenon Sequence Variant Interpretation Standards. Collection method: curation. Allele origin: germline. Affected: yes.
Comment: ALPL c.599G>A is a missense variant that changes the amino acid at residue 200 from Glycine to Aspartic acid. This variant has been observed in at least one proband affected with hypophosphatasia (PMID:33716164;26432670). It is absent or not present at a significant frequency in gnomAD. In silico models agree that this variant is possibly or probably damaging. In conclusion, we classify ALPL p.Gly200Asp (c.599G>A) as a likely pathogenic variant.

Literature cited by the submitters: PubMed 26432670 (cited by Labcorp Genetics (formerly Invitae), Labcorp and Genomenon, Inc); PubMed 33716164 (cited by Labcorp Genetics (formerly Invitae), Labcorp and Genomenon, Inc).

NM_000478.6(ALPL):c.599G>A (p.Gly200Asp)

Gene: ALPL (alkaline phosphatase, biomineralization associated; plus strand). Cytogenetic location: 1p36.12.
Variant type: single nucleotide variant.
Coding change: c.599G>A on transcript NM_000478.6 (MANE Select); coding-DNA position 599, G replaced by A.
Protein change: p.Gly200Asp; replaces glycine 200 with aspartic acid.
Molecular consequence: missense variant.
Genome position (GRCh38, 1-based): chr1:21,564,167, G>A. VCF-style: chr1-21564167-G-A. GRCh37 (hg19) VCF-style: chr1-21890660-G-A.
Other names: c.434G>A, p.Gly145Asp (NM_001127501.4); c.368G>A, p.Gly123Asp (NM_001177520.3); c.599G>A, p.Gly200Asp (NM_001369803.2, NM_001369804.2, NM_001369805.2); short protein forms G200D, G123D, G145D.
Identifiers: ClinVar variation 3720171 (VCV003720171.3).
Genomic context (GRCh38, chr1:21,564,167, plus strand): 5'-ACTCGGCTGACCGGGACTGGTACTCAGACAACGAGATGCCCCCTGAGGCCTTGAGCCAGG[G>A]CTGTAAGGACATCGCCTACCAGCTCATGCATAACATCAGGGACATTGACGTGAGTGCTCG-3'
Protein context (NP_000469.3, residues 190-210): NEMPPEALSQ[Gly200Asp]CKDIAYQLMH